The following is an entry in ClinVar:

ClinVar aggregate classification (germline): Uncertain significance (1 of 4 stars; one submission).

Submission:

Labcorp Genetics (formerly Invitae), Labcorp
Classification: Uncertain significance. Last evaluated: 2022-07-05. Review status: criteria provided, single submitter. Criteria: Invitae Variant Classification Sherloc (09022015). Collection method: clinical testing. Allele origin: germline.
Comment: In summary, the available evidence is currently insufficient to determine the role of this variant in disease. Therefore, it has been classified as a Variant of Uncertain Significance. Algorithms developed to predict the effect of missense changes on protein structure and function are either unavailable or do not agree on the potential impact of this missense change (SIFT: "Tolerated"; PolyPhen-2: "Probably Damaging"; Align-GVGD: "Class C0"). This variant has not been reported in the literature in individuals affected with INPPL1-related conditions. This variant is not present in population databases (gnomAD no frequency). This sequence change replaces proline, which is neutral and non-polar, with arginine, which is basic and polar, at codon 105 of the INPPL1 protein (p.Pro105Arg).

NM_001567.4(INPPL1):c.314C>G (p.Pro105Arg)

Gene: INPPL1 (inositol polyphosphate phosphatase like 1; plus strand). Cytogenetic location: 11q13.4.
Variant type: single nucleotide variant.
Coding change: c.314C>G on transcript NM_001567.4 (MANE Select); coding-DNA position 314, C replaced by G.
Protein change: p.Pro105Arg; replaces proline 105 with arginine.
Molecular consequence: missense variant.
Genome position (GRCh38, 1-based): chr11:72,228,415, C>G. VCF-style: chr11-72228415-C-G. GRCh37 (hg19) VCF-style: chr11-71939459-C-G.
Other names: short protein forms P105R.
Identifiers: ClinVar variation 2074408 (VCV002074408.4), dbSNP rs1415623678, ClinGen allele CA381717899.